The following is an entry in ClinVar:

NM_001232.4(CASQ2):c.10A>T (p.Thr4Ser)

Gene: CASQ2 (calsequestrin 2; minus strand). Cytogenetic location: 1p13.1.
Variant type: single nucleotide variant.
Coding change: c.10A>T on transcript NM_001232.4 (MANE Select); coding-DNA position 10, A replaced by T.
Protein change: p.Thr4Ser; replaces threonine 4 with serine.
Molecular consequence: missense variant.
Genome position (GRCh38, 1-based): chr1:115,768,532, T>A on the plus strand (A>T on the coding strand, the complement: CASQ2 is on the minus strand). VCF-style: chr1-115768532-T-A. GRCh37 (hg19) VCF-style: chr1-116311153-T-A.
Other names: p.T4S:ACT>TCT; short protein forms T4S.
Identifiers: ClinVar variation 190749 (VCV000190749.2), dbSNP rs747077051, ClinGen allele CA301916.

ClinVar aggregate classification (germline): Uncertain significance (1 of 4 stars; one submission).

Allele frequency attached by ClinVar (database versions not stated): TOPMed below 0.00001; gnomAD 0.00001; gnomAD exomes 0.00002.
gnomAD v4.1: 14 of 1,608,082 alleles (0.00087%); highest among the groups gnomAD compares: Admixed American, 0.0017%; no homozygotes.

Submission:

GeneDx
Classification: Uncertain significance. Last evaluated: 2013-10-07. Review status: criteria provided, single submitter. Criteria: GeneDx Variant Classification (06012015). Collection method: clinical testing. Allele origin: germline. Affected: yes.
Comment: p.Thr4Ser (T4S) ACT>TCT: c.10 A>T in exon 1 of the CASQ2 gene (NM_001232.3). The Thr4Ser variant in the CASQ2 gene has not been reported as a disease-causing mutation or as a benign polymorphism to our knowledge. Thr4Ser results in a conservative amino acid substitution of one polar amino acid for another at a position that is not conserved across species. In silico analysis predicts Thr4Ser is probably benign to the protein structure/function. No mutations in nearby residues have been reported in association with CPVT, indicating this region of the protein may be tolerant of change. However, the Thr4Ser variant was not observed in approximately 6,500 individuals of European and African American ancestry in the NHLBI Exome Sequencing Project, indicating it is not a common benign variant in these populations.With the clinical and molecular information available at this time, we cannot definitively determine if Thr4Ser is a disease-causing mutation or a rare benign variant. As CPVT due to mutations in the CASQ2 gene is an autosomal recessive disease, it is expected that an affected individual would harbor mutations in the CASQ2 gene on both alleles. The variant is found in CPVT panel(s).